The following is an entry in ClinVar:

NM_020376.4(PNPLA2):c.1021C>T (p.Pro341Ser)

Gene: PNPLA2 (patatin like domain 2, triacylglycerol lipase; plus strand). Cytogenetic location: 11p15.5.
Variant type: single nucleotide variant.
Coding change: c.1021C>T on transcript NM_020376.4 (MANE Select); coding-DNA position 1021, C replaced by T.
Protein change: p.Pro341Ser; replaces proline 341 with serine.
Molecular consequence: missense variant.
Genome position (GRCh38, 1-based): chr11:824,099, C>T. VCF-style: chr11-824099-C-T. GRCh37 (hg19) VCF-style: chr11-824099-C-T.
Other names: short protein forms P341S.
Identifiers: ClinVar variation 1058511 (VCV001058511.10), dbSNP rs763909581, ClinGen allele CA5791270.

ClinVar aggregate classification (germline): Uncertain significance. Review status: criteria provided, multiple submitters, no conflicts (2 of 4 stars). 2 submissions from 2 submitters: Uncertain significance (2). Last evaluated 2022-02-04.

Conditions:
Neutral lipid storage myopathy (NLSDM). Also called: NEUTRAL LIPID STORAGE DISEASE WITHOUT ICHTHYOSIS. Identifiers: Orphanet 98908, MedGen C1853136, MONDO:0012545, OMIM 610717.

Allele frequency attached by ClinVar (database versions not stated): ExAC 0.00001; gnomAD exomes 0.00001.
gnomAD v4.1: 11 of 1,603,278 alleles (0.00069%); highest among the groups gnomAD compares: Non-Finnish European, 0.00085%; no homozygotes.

Submissions (2):

Labcorp Genetics (formerly Invitae), Labcorp
Classification: Uncertain significance for Neutral lipid storage myopathy. Last evaluated: 2022-02-04. Review status: criteria provided, single submitter. Criteria: Invitae Variant Classification Sherloc (09022015). Collection method: clinical testing. Allele origin: germline.
Comment: This sequence change replaces proline, which is neutral and non-polar, with serine, which is neutral and polar, at codon 341 of the PNPLA2 protein (p.Pro341Ser). The frequency data for this variant in the population databases is considered unreliable, as metrics indicate poor data quality at this position in the gnomAD database. This variant has not been reported in the literature in individuals affected with PNPLA2-related conditions. ClinVar contains an entry for this variant (Variation ID: 1058511). Algorithms developed to predict the effect of missense changes on protein structure and function are either unavailable or do not agree on the potential impact of this missense change (SIFT: "Tolerated"; PolyPhen-2: "Probably Damaging"; Align-GVGD: "Class C0"). In summary, the available evidence is currently insufficient to determine the role of this variant in disease. Therefore, it has been classified as a Variant of Uncertain Significance.

Blueprint Genetics
Classification: Uncertain significance. Last evaluated: 2020-01-10. Review status: criteria provided, single submitter. Criteria: ACMG Guidelines, 2015. Collection method: clinical testing. Allele origin: germline.